The following is an entry in ClinVar:

ClinVar aggregate classification (germline): Uncertain significance. Review status: criteria provided, multiple submitters, no conflicts (2 of 4 stars). 3 submissions from 3 submitters: Uncertain significance (3). Last evaluated 2025-11-08.

Conditions:
Inborn genetic diseases. Identifiers: MedGen C0950123, MeSH D030342.

Allele frequency attached by ClinVar (database versions not stated): TOPMed 0.00002; gnomAD 0.00003.
gnomAD v4.1: 138 of 1,614,084 alleles (0.0085%); highest among the groups gnomAD compares: Non-Finnish European, 0.011%; no homozygotes.

Submissions (3):

Ambry Genetics
Classification: Uncertain significance for Inborn genetic diseases. Last evaluated: 2025-11-08. Review status: criteria provided, single submitter. Criteria: Ambry Variant Classification Scheme 2023. Collection method: clinical testing. Allele origin: germline.

Women's Health and Genetics/Laboratory Corporation of America, LabCorp
Classification: Uncertain significance. Last evaluated: 2024-03-06. Review status: criteria provided, single submitter. Criteria: LabCorp Variant Classification Summary - May 2015. Collection method: clinical testing. Allele origin: germline.
Comment: Variant summary: ATP6V0A2 c.1886A>C (p.Asn629Thr) results in a non-conservative amino acid change in the encoded protein sequence. Five of five in-silico tools predict a damaging effect of the variant on protein function. The variant allele was found at a frequency of 2.4e-05 in 251452 control chromosomes. The available data on variant occurrences in the general population are insufficient to allow any conclusion about variant significance. To our knowledge, no occurrence of c.1886A>C in individuals affected with Cutis Laxa - ATP6V0A2 Related and no experimental evidence demonstrating its impact on protein function have been reported. No submitters have cited clinical-significance assessments for this variant to ClinVar. Based on the evidence outlined above, the variant was classified as uncertain significance.

Blueprint Genetics
Classification: Uncertain significance. Last evaluated: 2023-05-30. Review status: criteria provided, single submitter. Criteria: ACMG Guidelines, 2015. Collection method: clinical testing. Allele origin: germline.

NM_012463.4(ATP6V0A2):c.1886A>C (p.Asn629Thr)

Genes: ATP6V0A2 (ATPase H+ transporting V0 subunit a2; plus strand), LOC126861666 (CDK7 strongly-dependent group 2 enhancer GRCh37_chr12:124232793-124233992; plus strand). Cytogenetic location: 12q24.31.
Variant type: single nucleotide variant.
Coding change: c.1886A>C on transcript NM_012463.4 (MANE Select); coding-DNA position 1886, A replaced by C.
Protein change: p.Asn629Thr; replaces asparagine 629 with threonine.
Molecular consequence: missense variant.
Genome position (GRCh38, 1-based): chr12:123,748,736, A>C. VCF-style: chr12-123748736-A-C. GRCh37 (hg19) VCF-style: chr12-124233283-A-C.
Other names: c.1886A>C (NM_012463.3); short protein forms N629T.
Identifiers: ClinVar variation 3233618 (VCV003233618.4), dbSNP rs762135606, ClinGen allele CA6862055.
Genomic context (GRCh38, chr12:123,748,736, plus strand): 5'-GGCTGGTTTTTTCAGCAGAAACCTCCAGAGTTGCTCCCAGCATTCTGATTGAATTTATTA[A>C]CATGTTTTTATTCCCAGCCAGTAAAACAAGTGGCCTTTACACAGGGCAGGTGAGTCATCT-3'
Protein context (NP_036595.2, residues 619-639): VAPSILIEFI[Asn629Thr]MFLFPASKTS